The following is an entry in ClinVar:

ClinVar aggregate classification (germline): Likely pathogenic (1 of 4 stars; one submission).

Submission:

Dasa
Classification: Likely pathogenic. Last evaluated: 2025-09-15. Review status: criteria provided, single submitter. Criteria: DASA Assertion Criteria. Collection method: clinical testing. Allele origin: germline.
Comment: NM_003638.3(ITGA8):c.949-1G>T affects a canonical splice site and is predicted to disrupt normal RNA splicing. Loss of function is an established disease mechanism for ITGA8-associated disorders. Also, this variant is absent from population databases. Based on the currently available evidence, this variant is classified as likely pathogenic.

NM_003638.3(ITGA8):c.949-1G>T

Gene: ITGA8 (integrin subunit alpha 8; minus strand). Cytogenetic location: 10p13.
Variant type: single nucleotide variant.
Coding change: c.949-1G>T on transcript NM_003638.3 (MANE Select); the canonical splice acceptor site of the intron before coding-DNA position 949, G replaced by T.
Molecular consequence: splice acceptor variant.
Genome position (GRCh38, 1-based): chr10:15,655,407, C>A on the plus strand (G>T on the coding strand, the complement: ITGA8 is on the minus strand). VCF-style: chr10-15655407-C-A. GRCh37 (hg19) VCF-style: chr10-15697406-C-A.
Other names: c.904-1G>T (NM_001291494.2).
Identifiers: ClinVar variation 4885882 (VCV004885882.2).